The following is an entry in ClinVar:

NM_199420.4(POLQ):c.3464G>C (p.Ser1155Thr)

Gene: POLQ (DNA polymerase theta; minus strand). Cytogenetic location: 3q13.33.
Variant type: single nucleotide variant.
Coding change: c.3464G>C on transcript NM_199420.4 (MANE Select); coding-DNA position 3464, G replaced by C.
Protein change: p.Ser1155Thr; replaces serine 1155 with threonine.
Molecular consequence: missense variant.
Genome position (GRCh38, 1-based): chr3:121,489,467, C>G on the plus strand (G>C on the coding strand, the complement: POLQ is on the minus strand). VCF-style: chr3-121489467-C-G. GRCh37 (hg19) VCF-style: chr3-121208314-C-G.
Other names: short protein forms S1155T.
Identifiers: ClinVar variation 2497191 (VCV002497191.2), dbSNP rs2048045160, ClinGen allele CA354099864.

ClinVar aggregate classification (germline): Uncertain significance (1 of 4 stars; one submission).

Allele frequency attached by ClinVar (database versions not stated): TOPMed below 0.00001.

Submission:

Ambry Genetics
Classification: Uncertain significance. Last evaluated: 2022-11-10. Review status: criteria provided, single submitter. Criteria: Ambry Variant Classification Scheme 2023. Collection method: clinical testing. Allele origin: germline.
Comment: The p.S1155T variant (also known as c.3464G>C), located in coding exon 16 of the POLQ gene, results from a G to C substitution at nucleotide position 3464. The serine at codon 1155 is replaced by threonine, an amino acid with similar properties. This amino acid position is conserved. In addition, this alteration is predicted to be tolerated by in silico analysis. Since supporting evidence is limited at this time, the clinical significance of this alteration remains unclear.